The following is an entry in ClinVar:

NM_003482.4(KMT2D):c.14623A>C (p.Ile4875Leu)

Gene: KMT2D (lysine methyltransferase 2D; minus strand). Cytogenetic location: 12q13.12.
Variant type: single nucleotide variant.
Coding change: c.14623A>C on transcript NM_003482.4 (MANE Select); coding-DNA position 14623, A replaced by C.
Protein change: p.Ile4875Leu; replaces isoleucine 4875 with leucine.
Molecular consequence: missense variant.
Genome position (GRCh38, 1-based): chr12:49,027,823, T>G on the plus strand (A>C on the coding strand, the complement: KMT2D is on the minus strand). VCF-style: chr12-49027823-T-G. GRCh37 (hg19) VCF-style: chr12-49421606-T-G.
Other names: short protein forms I4875L.
Identifiers: ClinVar variation 2636070 (VCV002636070.1), dbSNP rs200051300, ClinGen allele CA6545702.

ClinVar aggregate classification (germline): Uncertain significance (1 of 4 stars; one submission).

Conditions:
KMT2D-related disorder. Also called: KMT2D-Related Disorders.

gnomAD v4.1: 9 of 1,577,574 alleles (0.00057%); highest among the groups gnomAD compares: South Asian, 0.01%; no homozygotes.

Submission:

PreventionGenetics, part of Exact Sciences
Classification: Uncertain significance for KMT2D-related condition. Last evaluated: 2023-02-09. Review status: criteria provided, single submitter. Criteria: ACMG Guidelines, 2015. Collection method: clinical testing. Allele origin: germline.
Comment: The KMT2D c.14623A>C variant is predicted to result in the amino acid substitution p.Ile4875Leu. To our knowledge, this variant has not been reported in the literature. This variant is reported in 0.012% of alleles in individuals of South Asian descent in gnomAD. At this time, the clinical significance of this variant is uncertain due to the absence of conclusive functional and genetic evidence.